The following is an entry in ClinVar:

NM_014014.5(SNRNP200):c.3130G>T (p.Val1044Leu)

Gene: SNRNP200 (small nuclear ribonucleoprotein U5 subunit 200; minus strand). Cytogenetic location: 2q11.2.
Variant type: single nucleotide variant.
Coding change: c.3130G>T on transcript NM_014014.5 (MANE Select); coding-DNA position 3130, G replaced by T.
Protein change: p.Val1044Leu; replaces valine 1044 with leucine.
Molecular consequence: missense variant.
Genome position (GRCh38, 1-based): chr2:96,289,081, C>A on the plus strand (G>T on the coding strand, the complement: SNRNP200 is on the minus strand). VCF-style: chr2-96289081-C-A. GRCh37 (hg19) VCF-style: chr2-96954819-C-A.
Other names: short protein forms V1044L.
Identifiers: ClinVar variation 871766 (VCV000871766.50), dbSNP rs755983089, ClinGen allele CA1778551.

ClinVar aggregate classification (germline): Uncertain significance. Review status: criteria provided, multiple submitters, no conflicts (2 of 4 stars). 4 submissions from 4 submitters: Uncertain significance (4). Last evaluated 2026-01-12.

Allele frequency attached by ClinVar (database versions not stated): TOPMed 0.00007; ExAC 0.00008; gnomAD 0.00008 and 0.00009; gnomAD exomes 0.00010.
gnomAD v4.1: 257 of 1,613,278 alleles (0.016%); highest among the groups gnomAD compares: Non-Finnish European, 0.021%; no homozygotes.

Submissions (4):

Labcorp Genetics (formerly Invitae), Labcorp
Classification: Uncertain significance. Last evaluated: 2026-01-12. Review status: criteria provided, single submitter. Criteria: Invitae Variant Classification Sherloc (09022015). Collection method: clinical testing. Allele origin: germline.
Comment: This sequence change replaces valine, which is neutral and non-polar, with leucine, which is neutral and non-polar, at codon 1044 of the SNRNP200 protein (p.Val1044Leu). This variant is present in population databases (rs755983089, gnomAD 0.02%). This variant has not been reported in the literature in individuals affected with SNRNP200-related conditions. ClinVar contains an entry for this variant (Variation ID: 871766). Invitae Evidence Modeling of protein sequence and biophysical properties (such as structural, functional, and spatial information, amino acid conservation, physicochemical variation, residue mobility, and thermodynamic stability) has been performed for this missense variant. However, the output from this modeling did not meet the statistical confidence thresholds required to predict the impact of this variant on SNRNP200 protein function. In summary, the available evidence is currently insufficient to determine the role of this variant in disease. Therefore, it has been classified as a Variant of Uncertain Significance.

Blueprint Genetics
Classification: Uncertain significance. Last evaluated: 2024-03-21. Review status: criteria provided, single submitter. Criteria: ACMG Guidelines, 2015. Collection method: clinical testing. Allele origin: germline.

CeGaT Center for Human Genetics Tuebingen
Classification: Uncertain significance. Last evaluated: 2019-12-01. Review status: criteria provided, single submitter. Criteria: CeGaT Center For Human Genetics Tuebingen Variant Classification Criteria Version 2. Collection method: clinical testing. Allele origin: germline. Affected: yes. Observed: 1 variant allele.

GeneDx
Classification: Uncertain significance. Last evaluated: 2019-08-26. Review status: criteria provided, single submitter. Criteria: GeneDx Variant Classification Process June 2021. Collection method: clinical testing. Allele origin: germline. Affected: yes.
Comment: In silico analysis, which includes protein predictors and evolutionary conservation, supports a deleterious effect; Has not been previously published as pathogenic or benign to our knowledge